The following is an entry in ClinVar:

NM_005732.4(RAD50):c.3704C>G (p.Thr1235Arg)

Genes: TH2LCRR (T helper type 2 locus control region associated RNA; minus strand), RAD50 (RAD50 double strand break repair protein; plus strand), TH2-LCR (Th2 cytokine locus control region; plus strand). Cytogenetic location: 5q31.1.
Variant type: single nucleotide variant.
Coding change: c.3704C>G on transcript NM_005732.4 (MANE Select); coding-DNA position 3704, C replaced by G.
Protein change: p.Thr1235Arg; replaces threonine 1235 with arginine.
Molecular consequence: missense variant.
Genome position (GRCh38, 1-based): chr5:132,640,757, C>G. VCF-style: chr5-132640757-C-G. GRCh37 (hg19) VCF-style: chr5-131976449-C-G.
Other names: short protein forms T1235R.
Identifiers: ClinVar variation 1471362 (VCV001471362.8), dbSNP rs1581023783, ClinGen allele CA360934557.

ClinVar aggregate classification (germline): Uncertain significance (1 of 4 stars; one submission).

Conditions:
Hereditary cancer-predisposing syndrome. Also called: Tumor predisposition; Hereditary Cancer Syndrome; Hereditary neoplastic syndrome; Neoplastic Syndromes, Hereditary. Identifiers: Orphanet 140162, MedGen C0027672, MeSH D009386, MONDO:0015356.

Submission:

Labcorp Genetics (formerly Invitae), Labcorp
Classification: Uncertain significance for Hereditary cancer-predisposing syndrome. Last evaluated: 2021-03-10. Review status: criteria provided, single submitter. Criteria: Invitae Variant Classification Sherloc (09022015). Collection method: clinical testing. Allele origin: germline.
Comment: This sequence change replaces threonine with arginine at codon 1235 of the RAD50 protein (p.Thr1235Arg). The threonine residue is highly conserved and there is a moderate physicochemical difference between threonine and arginine. This variant is not present in population databases (ExAC no frequency). This variant has not been reported in the literature in individuals with RAD50-related conditions. Algorithms developed to predict the effect of missense changes on protein structure and function are either unavailable or do not agree on the potential impact of this missense change (SIFT: "Deleterious"; PolyPhen-2: "Probably Damaging"; Align-GVGD: "Class C0"). In summary, the available evidence is currently insufficient to determine the role of this variant in disease. Therefore, it has been classified as a Variant of Uncertain Significance.